The following is an entry in ClinVar:

ClinVar aggregate classification (germline): Uncertain significance (1 of 4 stars; one submission).

Conditions:
TMEM67-related disorder. Also called: TMEM67-related disorders; TMEM67-related condition. Identifiers: MedGen CN239423.

gnomAD v4.1: 14 of 1,596,878 alleles (0.00088%); highest among the groups gnomAD compares: Non-Finnish European, 0.0012%; no homozygotes.

Submission:

PreventionGenetics, part of Exact Sciences
Classification: Uncertain significance for TMEM67-related condition. Last evaluated: 2026-09-01. Review status: criteria provided, single submitter. Criteria: ACMG Guidelines, 2015. Collection method: clinical testing. Allele origin: germline.
Comment: The TMEM67 c.1570A>G variant is predicted to result in the amino acid substitution p.Thr524Ala. To our knowledge, this variant has not been reported in the literature. This variant is reported in 0.00089% of alleles in individuals of European (Non-Finnish) descent in gnomAD. At this time, the clinical significance of this variant is uncertain due to the absence of conclusive functional and genetic evidence.

NM_153704.6(TMEM67):c.1570A>G (p.Thr524Ala)

Gene: TMEM67 (transmembrane protein 67; plus strand). Cytogenetic location: 8q22.1.
Variant type: single nucleotide variant.
Coding change: c.1570A>G on transcript NM_153704.6 (MANE Select); coding-DNA position 1570, A replaced by G.
Protein change: p.Thr524Ala; replaces threonine 524 with alanine.
Molecular consequence: missense variant. On other transcripts: non-coding transcript variant (1).
Genome position (GRCh38, 1-based): chr8:93,791,314, A>G. VCF-style: chr8-93791314-A-G. GRCh37 (hg19) VCF-style: chr8-94803542-A-G.
Other names: c.1327A>G, p.Thr443Ala (NM_001142301.1); short protein forms T443A, T524A.
Identifiers: ClinVar variation 4982780 (VCV004982780.1).
Genomic context (GRCh38, chr8:93,791,314, plus strand): 5'-AAATATCAGGTTTCTTTCTCAGTCACATATGAAATGGATCATGGAGAAGCACATGTCCAG[A>G]CAGATGTAAGTTTATTTTAACCTTTTAAAATATATACAGTGTATTTTATAATTAAATGAT-3'
Protein context (NP_714915.3, residues 514-534): EMDHGEAHVQ[Thr524Ala]DIALGVLGGL